The following is an entry in ClinVar:

NM_001356.5(DDX3X):c.830_831del (p.Glu277fs)

Gene: DDX3X (DEAD-box helicase 3 X-linked; plus strand). Cytogenetic location: Xp11.4.
Variant type: Microsatellite.
Coding change: c.830_831del on transcript NM_001356.5 (MANE Select); coding-DNA positions 830 to 831, 2 bases deleted (AG; older notation c.830_831delAG).
Protein change: p.Glu277fs; shifts the reading frame from glutamic acid 277.
Molecular consequence: frameshift variant. On other transcripts: non-coding transcript variant (1).
Genome position (GRCh38, 1-based): chrX:41,344,094-41,344,095, AG deleted; deleting any 2 consecutive bases within chrX:41,344,089-41,344,095 gives the same sequence; the c. name uses the placement nearest the transcript's 3' end. VCF-style (leftmost placement, unchanged base first): chrX-41344088-CGA-C. GRCh37 (hg19) VCF-style: chrX-41203341-CGA-C.
Other names: c.830_831del (NM_001356.4); c.830_831del, p.Glu277fs (NM_001193416.3); c.782_783del, p.Glu261fs (NM_001193417.3); c.272_273del, p.Glu91fs (NM_001363819.1); short protein forms E91fs, E261fs, E277fs.
Identifiers: ClinVar variation 666342 (VCV000666342.22), dbSNP rs1602131859, ClinGen allele CA915950995.

ClinVar aggregate classification (germline): Pathogenic/Likely pathogenic. Review status: criteria provided, multiple submitters, no conflicts (2 of 4 stars). 5 submissions from 5 submitters: Pathogenic (2); Likely pathogenic (2). 1 of the submissions does not count toward it. Last evaluated 2025-02-23.

Conditions:
Intellectual disability, X-linked 102 (MRXSSB). Also called: Intellectual developmental disorder, X-linked syndromic, Snijders Blok type. Identifiers: Orphanet 457260, MedGen C5393299, MONDO:0010497, OMIM 300958.
Neurodevelopmental disorder. Identifiers: MedGen C1535926, MeSH D065886, MONDO:0700092.

Submissions (5):

Labcorp Genetics (formerly Invitae), Labcorp
Classification: Pathogenic. Last evaluated: 2025-02-23. Review status: criteria provided, single submitter. Criteria: Invitae Variant Classification Sherloc (09022015). Collection method: clinical testing. Allele origin: germline.
Comment: This sequence change creates a premature translational stop signal (p.Glu277Valfs*17) in the DDX3X gene. It is expected to result in an absent or disrupted protein product. Loss-of-function variants in DDX3X are known to be pathogenic (PMID: 26235985). This variant is not present in population databases (gnomAD no frequency). This premature translational stop signal has been observed in individual(s) with clinical features of DDX3X-related conditions (PMID: 32135084). For these reasons, this variant has been classified as Pathogenic.

GeneDx
Classification: Pathogenic. Last evaluated: 2024-04-29. Review status: criteria provided, single submitter. Criteria: GeneDx Variant Classification Process June 2021. Collection method: clinical testing. Allele origin: germline. Affected: yes.
Comment: Frameshift variant predicted to result in protein truncation or nonsense mediated decay in a gene for which loss-of-function is a known mechanism of disease; Not observed at significant frequency in large population cohorts (gnomAD); This variant is associated with the following publications: (PMID: 32135084, 35982159)

Laboratory of Molecular Genetics (Pr. Bezieau's lab), CHU de Nantes
Classification: Likely pathogenic for Neurodevelopmental disorder. Last evaluated: 2022-11-08. Review status: criteria provided, single submitter. Criteria: ACMG Guidelines, 2015. Collection method: clinical testing. Allele origin: germline. Affected: yes.

Equipe Genetique des Anomalies du Developpement, Université de Bourgogne
Classification: Likely pathogenic for Intellectual disability, X-linked 102. Last evaluated: 2016-01-04. Review status: criteria provided, single submitter. Criteria: ACMG Guidelines, 2015. Collection method: clinical testing. Allele origin: inherited. Affected: yes.

Clinical Laboratory Sciences Program (CLSP), King Saud bin Abdulaziz University for Health Sciences (KSAU-HS)
Classification: Pathogenic for Intellectual disability, X-linked 102. Last evaluated: 2023-04-01. Review status: no assertion criteria provided. Collection method: clinical testing. Allele origin: germline. Affected: yes. Not counted in ClinVar's aggregate classification.

Literature cited by the submitters: PubMed 26235985 (cited by Labcorp Genetics (formerly Invitae), Labcorp); PubMed 32135084 (cited by Labcorp Genetics (formerly Invitae), Labcorp).